The following is an entry in ClinVar:

ClinVar aggregate classification (germline): Uncertain significance (1 of 4 stars; one submission).

Conditions:
Polyglandular autoimmune syndrome, type 1 (APS1). Also called: Autoimmune polyendocrinopathy syndrome, type I; PGA I; Autoimmune polyendocrine syndrome type 1; Autoimmune polyendocrinopathy syndrome , type I, with or without reversible metaphyseal dysplasia; AUTOIMMUNE POLYENDOCRINE SYNDROME, TYPE I, WITH OR WITHOUT REVERSIBLE METAPHYSEAL DYSPLASIA; HYPOADRENOCORTICISM WITH HYPOPARATHYROIDISM AND SUPERFICIAL MONILIASIS. Identifiers: Orphanet 3453, MedGen C0085859, MONDO:0009411, OMIM 240300.

Allele frequency attached by ClinVar (database versions not stated): gnomAD exomes below 0.00001.

Submission:

Labcorp Genetics (formerly Invitae), Labcorp
Classification: Uncertain significance for Polyglandular autoimmune syndrome, type 1. Last evaluated: 2021-12-23. Review status: criteria provided, single submitter. Criteria: Invitae Variant Classification Sherloc (09022015). Collection method: clinical testing. Allele origin: germline.
Comment: This sequence change replaces threonine, which is neutral and polar, with alanine, which is neutral and non-polar, at codon 480 of the AIRE protein (p.Thr480Ala). This variant is not present in population databases (gnomAD no frequency). This variant has not been reported in the literature in individuals affected with AIRE-related conditions. Advanced modeling of protein sequence and biophysical properties (such as structural, functional, and spatial information, amino acid conservation, physicochemical variation, residue mobility, and thermodynamic stability) performed at Invitae indicates that this missense variant is not expected to disrupt AIRE protein function. In summary, the available evidence is currently insufficient to determine the role of this variant in disease. Therefore, it has been classified as a Variant of Uncertain Significance.

NM_000383.4(AIRE):c.1438A>G (p.Thr480Ala)

Gene: AIRE (autoimmune regulator; plus strand). Cytogenetic location: 21q22.3.
Variant type: single nucleotide variant.
Coding change: c.1438A>G on transcript NM_000383.4 (MANE Select); coding-DNA position 1438, A replaced by G.
Protein change: p.Thr480Ala; replaces threonine 480 with alanine.
Molecular consequence: missense variant.
Genome position (GRCh38, 1-based): chr21:44,294,438, A>G. VCF-style: chr21-44294438-A-G. GRCh37 (hg19) VCF-style: chr21-45714321-A-G.
Other names: short protein forms T480A.
Identifiers: ClinVar variation 2198208 (VCV002198208.1), dbSNP rs2517886822, ClinGen allele CA410425917.